The following is an entry in ClinVar:

NC_000009.12:g.35658108A>G

Gene: RMRP (RNA component of mitochondrial RNA processing endoribonuclease; minus strand). Cytogenetic location: 9p13.3.
Variant type: single nucleotide variant.
Genome position: GRCh38 VCF-style: chr9-35658108-A-G. GRCh37 (hg19) VCF-style: chr9-35658105-A-G.
Identifiers: ClinVar variation 1440985 (VCV001440985.5), dbSNP rs1206526864, ClinGen allele CA863579145.

ClinVar aggregate classification (germline): Uncertain significance (1 of 4 stars; one submission).

Conditions:
Anauxetic dysplasia. Identifiers: Orphanet 93347, MedGen C1846796, MONDO:0011773.

Allele frequency attached by ClinVar (database versions not stated): TOPMed 0.00001.

Submission:

Labcorp Genetics (formerly Invitae), Labcorp
Classification: Uncertain significance for Anauxetic dysplasia. Last evaluated: 2022-08-29. Review status: criteria provided, single submitter. Criteria: Invitae Variant Classification Sherloc (09022015). Collection method: clinical testing. Allele origin: germline.
Comment: This variant occurs in the RMRP gene, which encodes an RNA molecule that does not result in a protein product. This variant is not present in population databases (gnomAD no frequency). This variant has not been reported in the literature in individuals affected with RMRP-related conditions. Experimental studies and prediction algorithms are not available or were not evaluated, and the functional significance of this variant is currently unknown. In summary, the available evidence is currently insufficient to determine the role of this variant in disease. Therefore, it has been classified as a Variant of Uncertain Significance.